The following is an entry in ClinVar:

ClinVar aggregate classification (germline): Uncertain significance. Review status: criteria provided, multiple submitters, no conflicts (2 of 4 stars). 2 submissions from 2 submitters: Uncertain significance (2). Last evaluated 2025-10-26.

Conditions:
SEMA3E-related disorder. Also called: SEMA3E-related condition.
CHARGE syndrome (CHARGE). Also called: Hittner Hirsch Kreh syndrome; CHARGE ASSOCIATION--COLOBOMA, HEART ANOMALY, CHOANAL ATRESIA, RETARDATION, GENITAL AND EAR ANOMALIES; Coloboma, heart anomaly, choanal atresia, retardation, genital and ear anomalies; CHARGE association; Hall-Hittner syndrome. Identifiers: Orphanet 138, MedGen C0265354, MONDO:0008965.

Submissions (2):

PreventionGenetics, part of Exact Sciences
Classification: Uncertain significance for SEMA3E-related condition. Last evaluated: 2025-10-26. Review status: criteria provided, single submitter. Criteria: ACMG Guidelines, 2015. Collection method: clinical testing. Allele origin: germline.
Comment: The SEMA3E c.287C>A variant is predicted to result in the amino acid substitution p.Pro96Gln. To our knowledge, this variant has not been reported in the literature or in a large population database (gnomAD), indicating this variant is rare. At this time, the clinical significance of this variant is uncertain due to the absence of conclusive functional and genetic evidence.

Labcorp Genetics (formerly Invitae), Labcorp
Classification: Uncertain significance for CHARGE syndrome. Last evaluated: 2023-09-08. Review status: criteria provided, single submitter. Criteria: Invitae Variant Classification Sherloc (09022015). Collection method: clinical testing. Allele origin: germline.
Comment: This variant is not present in population databases (gnomAD no frequency). This sequence change replaces proline, which is neutral and non-polar, with glutamine, which is neutral and polar, at codon 96 of the SEMA3E protein (p.Pro96Gln). This variant has not been reported in the literature in individuals affected with SEMA3E-related conditions. In summary, the available evidence is currently insufficient to determine the role of this variant in disease. Therefore, it has been classified as a Variant of Uncertain Significance. Advanced modeling of protein sequence and biophysical properties (such as structural, functional, and spatial information, amino acid conservation, physicochemical variation, residue mobility, and thermodynamic stability) performed at Invitae indicates that this missense variant is not expected to disrupt SEMA3E protein function.

NM_012431.3(SEMA3E):c.287C>A (p.Pro96Gln)

Gene: SEMA3E (semaphorin 3E; minus strand). Cytogenetic location: 7q21.11.
Variant type: single nucleotide variant.
Coding change: c.287C>A on transcript NM_012431.3 (MANE Select); coding-DNA position 287, C replaced by A.
Protein change: p.Pro96Gln; replaces proline 96 with glutamine.
Molecular consequence: missense variant.
Genome position (GRCh38, 1-based): chr7:83,469,292, G>T on the plus strand (C>A on the coding strand, the complement: SEMA3E is on the minus strand). VCF-style: chr7-83469292-G-T. GRCh37 (hg19) VCF-style: chr7-83098608-G-T.
Other names: c.287C>A (NM_012431.2); c.107C>A, p.Pro36Gln (NM_001178129.2); short protein forms P96Q, P36Q.
Identifiers: ClinVar variation 3021466 (VCV003021466.4), dbSNP rs147614840, ClinGen allele CA367936183.